The following is an entry in ClinVar:

ClinVar aggregate classification (germline): Uncertain significance. Review status: criteria provided, multiple submitters, no conflicts (2 of 4 stars). 2 submissions from 2 submitters: Uncertain significance (2). Last evaluated 2025-11-20.

Conditions:
Arrhythmogenic right ventricular dysplasia 9 (ARVD9). Also called: Arrhythmogenic Right Ventricular Dysplasia/Cardiomyopathy 9; ARRHYTHMOGENIC RIGHT VENTRICULAR DYSPLASIA, FAMILIAL, 9. Identifiers: MedGen C1836906, MONDO:0012180, OMIM 609040.
Cardiovascular phenotype. Identifiers: MedGen CN230736.

Allele frequency attached by ClinVar (database versions not stated): TOPMed 0.00002; ESP Exome Variant Server 0.00015; gnomAD exomes below 0.00001 and 0.00001; gnomAD 0.00001; ExAC 0.00002.
gnomAD v4.1: 4 of 1,614,038 alleles (0.00025%); highest among the groups gnomAD compares: African/African-American, 0.004%; no homozygotes.

Submissions (2):

Ambry Genetics
Classification: Uncertain significance for Cardiovascular phenotype. Last evaluated: 2025-11-20. Review status: criteria provided, single submitter. Criteria: Ambry Variant Classification Scheme 2023. Collection method: clinical testing. Allele origin: germline.
Comment: The p.G305E variant (also known as c.914G>A), located in coding exon 3 of the PKP2 gene, results from a G to A substitution at nucleotide position 914. The glycine at codon 305 is replaced by glutamic acid, an amino acid with similar properties. This alteration has been reported in a pediatric proband with biventricular dysfunction and dilated cardiomyopathy who also carried variants in other cardiac-related genes (Headrick AT et al. Mol Genet Genomic Med, 2019 Jun;7:e593). This amino acid position is not well conserved in available vertebrate species. In addition, this alteration is predicted to be tolerated by in silico analysis. Based on the available evidence, the clinical significance of this variant remains unclear.

Labcorp Genetics (formerly Invitae), Labcorp
Classification: Uncertain significance for Arrhythmogenic right ventricular dysplasia 9. Last evaluated: 2025-09-08. Review status: criteria provided, single submitter. Criteria: Invitae Variant Classification Sherloc (09022015). Collection method: clinical testing. Allele origin: germline.
Comment: This sequence change replaces glycine, which is neutral and non-polar, with glutamic acid, which is acidic and polar, at codon 305 of the PKP2 protein (p.Gly305Glu). This variant is present in population databases (rs146683466, gnomAD 0.01%). This variant has not been reported in the literature in individuals affected with PKP2-related conditions. ClinVar contains an entry for this variant (Variation ID: 960573). An algorithm developed to predict the effect of missense changes on protein structure and function outputs the following: PolyPhen-2: "Benign". The glutamic acid amino acid residue is found in multiple mammalian species, which suggests that this missense change does not adversely affect protein function. In summary, the available evidence is currently insufficient to determine the role of this variant in disease. Therefore, it has been classified as a Variant of Uncertain Significance.

Literature cited by the submitters: PubMed 30985088 (cited by Ambry Genetics); PubMed 34120153 (cited by Ambry Genetics).

NM_001005242.3(PKP2):c.914G>A (p.Gly305Glu)

Gene: PKP2 (plakophilin 2; minus strand). Cytogenetic location: 12p11.21.
Variant type: single nucleotide variant.
Coding change: c.914G>A on transcript NM_001005242.3 (MANE Select); coding-DNA position 914, G replaced by A.
Protein change: p.Gly305Glu; replaces glycine 305 with glutamic acid.
Molecular consequence: missense variant.
Genome position (GRCh38, 1-based): chr12:32,877,966, C>T on the plus strand (G>A on the coding strand, the complement: PKP2 is on the minus strand). VCF-style: chr12-32877966-C-T. GRCh37 (hg19) VCF-style: chr12-33030900-C-T.
Other names: c.914G>A, p.Gly305Glu (NM_004572.4); short protein forms G305E.
Identifiers: ClinVar variation 960573 (VCV000960573.12), dbSNP rs146683466, ClinGen allele CA039384.